The following is an entry in ClinVar:

NM_017837.4(PIGV):c.324A>G (p.Leu108=)

Gene: PIGV (phosphatidylinositol glycan anchor biosynthesis class V; plus strand). Cytogenetic location: 1p36.11.
Variant type: single nucleotide variant.
Coding change: c.324A>G on transcript NM_017837.4 (MANE Select); coding-DNA position 324, A replaced by G.
Protein change: p.Leu108=; no amino-acid change (leucine 108 retained).
Molecular consequence: synonymous variant. On other transcripts: 5 prime UTR variant (1), non-coding transcript variant (1), intron variant (3).
Genome position (GRCh38, 1-based): chr1:26,794,358, A>G. VCF-style: chr1-26794358-A-G. GRCh37 (hg19) VCF-style: chr1-27120849-A-G.
Other names: c.324A>G, p.Leu108= (NM_001202554.2, NM_001374478.1, NM_001374480.1 and 2 more transcripts); c.-58A>G (NM_001374483.1); c.172+152A>G (NM_001374484.1, NM_001374485.1); c.79-3205A>G (NM_001374486.1).
Identifiers: ClinVar variation 2192097 (VCV002192097.28), dbSNP rs376858853, ClinGen allele CA708038.
Genomic context (GRCh38, chr1:26,794,358, plus strand): 5'-TCCTGGTTTCCCCTTGGCCCTGCTGGTGGGGACTGAACTGTTGAGACCCTTACGGGGGTT[A>G]CTGAGTCTACGCAGTTGCCTGCTGATTTCGGTAGCATCACTCAATTTCTTGTTCTTCATG-3'
Protein context (NP_060307.2, residues 98-118): GTELLRPLRG[Leu108=]LSLRSCLLIS

ClinVar aggregate classification (germline): Likely benign. Review status: criteria provided, multiple submitters, no conflicts (2 of 4 stars). 2 submissions from 2 submitters: Likely benign (2). Last evaluated 2024-06-13.

Allele frequency attached by ClinVar (database versions not stated): gnomAD exomes below 0.00001; TOPMed below 0.00001; ExAC 0.00001; gnomAD 0.00001; ESP Exome Variant Server 0.00008.
gnomAD v4.1: 3 of 1,614,096 alleles (0.00019%); highest among the groups gnomAD compares: African/African-American, 0.004%; no homozygotes.

Submissions (2):

Labcorp Genetics (formerly Invitae), Labcorp
Classification: Likely benign. Last evaluated: 2024-06-13. Review status: criteria provided, single submitter. Criteria: Invitae Variant Classification Sherloc (09022015). Collection method: clinical testing. Allele origin: germline.

CeGaT Center for Human Genetics Tuebingen
Classification: Likely benign. Last evaluated: 2022-10-01. Review status: criteria provided, single submitter. Criteria: CeGaT Center For Human Genetics Tuebingen Variant Classification Criteria Version 2. Collection method: clinical testing. Allele origin: germline. Affected: yes. Observed: 1 variant allele.
Comment: PIGV: BP4, BP7